The following is an entry in ClinVar:

NM_006371.5(CRTAP):c.866C>T (p.Pro289Leu)

Gene: CRTAP (cartilage associated protein; plus strand). Cytogenetic location: 3p22.3.
Variant type: single nucleotide variant.
Coding change: c.866C>T on transcript NM_006371.5 (MANE Select); coding-DNA position 866, C replaced by T.
Protein change: p.Pro289Leu; replaces proline 289 with leucine.
Molecular consequence: missense variant. On other transcripts: intron variant (1).
Genome position (GRCh38, 1-based): chr3:33,130,011, C>T. VCF-style: chr3-33130011-C-T. GRCh37 (hg19) VCF-style: chr3-33171503-C-T.
Other names: c.866C>T, p.Pro289Leu (NM_001393363.1); c.716C>T, p.Pro239Leu (NM_001393365.1); c.794-2544C>T (NM_001393364.1); short protein forms P289L, P239L.
Identifiers: ClinVar variation 534205 (VCV000534205.48), dbSNP rs147140948, ClinGen allele CA2300428.

ClinVar aggregate classification (germline): Uncertain significance. Review status: criteria provided, multiple submitters, no conflicts (2 of 4 stars). 3 submissions from 3 submitters: Uncertain significance (3). Last evaluated 2025-07-28.

Conditions:
Osteogenesis imperfecta type 7 (OI7). Also called: Osteogenesis imperfecta type 2B; OI type 2B; Osteogenesis imperfecta, perinatal lethal autosomal recessive; OI type IIB; OI type 7; OI type VII. Identifiers: MedGen C1853162, MONDO:0012536, OMIM 610682.
CRTAP-related disorder. Also called: CRTAP-related condition.

Allele frequency attached by ClinVar (database versions not stated): gnomAD 0.00016; ESP Exome Variant Server 0.00023; ExAC 0.00009; TOPMed 0.00015.
gnomAD v4.1: 479 of 1,613,246 alleles (0.03%); highest among the groups gnomAD compares: Non-Finnish European, 0.038%; no homozygotes.

Submissions (3):

PreventionGenetics, part of Exact Sciences
Classification: Uncertain significance for CRTAP-related condition. Last evaluated: 2025-07-28. Review status: criteria provided, single submitter. Criteria: ACMG Guidelines, 2015. Collection method: clinical testing. Allele origin: germline.
Comment: The CRTAP c.866C>T variant is predicted to result in the amino acid substitution p.Pro289Leu. To our knowledge, this variant has not been reported in the literature. This variant is reported in 0.020% of alleles in individuals of European (Non-Finnish) descent in gnomAD. At this time, the clinical significance of this variant is uncertain due to the absence of conclusive functional and genetic evidence.

Labcorp Genetics (formerly Invitae), Labcorp
Classification: Uncertain significance for Osteogenesis imperfecta type 7. Last evaluated: 2022-08-16. Review status: criteria provided, single submitter. Criteria: Invitae Variant Classification Sherloc (09022015). Collection method: clinical testing. Allele origin: germline.
Comment: This sequence change replaces proline, which is neutral and non-polar, with leucine, which is neutral and non-polar, at codon 289 of the CRTAP protein (p.Pro289Leu). This variant is present in population databases (rs147140948, gnomAD 0.02%). This variant has not been reported in the literature in individuals affected with CRTAP-related conditions. ClinVar contains an entry for this variant (Variation ID: 534205). Algorithms developed to predict the effect of missense changes on protein structure and function (SIFT, PolyPhen-2, Align-GVGD) all suggest that this variant is likely to be tolerated. In summary, the available evidence is currently insufficient to determine the role of this variant in disease. Therefore, it has been classified as a Variant of Uncertain Significance.

CeGaT Center for Human Genetics Tuebingen
Classification: Uncertain significance. Last evaluated: 2020-03-01. Review status: criteria provided, single submitter. Criteria: CeGaT Center For Human Genetics Tuebingen Variant Classification Criteria Version 2. Collection method: clinical testing. Allele origin: germline. Affected: yes. Observed: 1 variant allele.